The following is an entry in ClinVar:

ClinVar aggregate classification (germline): Benign/Likely benign. Review status: criteria provided, multiple submitters, no conflicts (2 of 4 stars). 7 submissions from 6 submitters: Benign (1); Likely benign (5). 1 of the submissions does not count toward it. Last evaluated 2026-01-28.

Conditions:
Autosomal dominant cerebellar ataxia. Also called: Spinocerebellar Ataxia, Dominant. Identifiers: Orphanet 99, MedGen C4087347, MONDO:0020380.
DYNC1H1-related disorder. Also called: DYNC1H1-related condition; DYNC1H1-related disorders. Identifiers: MedGen CN381529.
Charcot-Marie-Tooth disease. Also called: Charcot-Marie-Tooth Neuropathy; Charcot-Marie-Tooth Hereditary Neuropathy. Identifiers: Orphanet 166, MedGen C0007959, MONDO:0015626.
Charcot-Marie-Tooth disease axonal type 2O. Also called: CHARCOT-MARIE-TOOTH NEUROPATHY, AXONAL, TYPE 2O; CHARCOT-MARIE-TOOTH DISEASE, AXONAL, AUTOSOMAL DOMINANT, TYPE 2O; Charcot-Marie-Tooth Neuropathy Type 2O; Charcot-Marie-Tooth disease, axonal, type 20. Identifiers: Orphanet 284232, MedGen C3280220, MONDO:0013644, OMIM 614228.

Allele frequency attached by ClinVar (database versions not stated): gnomAD exomes 0.00002 and 0.00009; ExAC 0.00015; TOPMed 0.00031; gnomAD 0.00032 and 0.00033; 1000 Genomes Project 0.00040; ESP Exome Variant Server 0.00046; 1000 Genomes Project 30x 0.00047.
gnomAD v4.1: 81 of 1,614,032 alleles (0.005%); highest among the groups gnomAD compares: African/African-American, 0.099%; no homozygotes.

Submissions (7):

Labcorp Genetics (formerly Invitae), Labcorp
Classification: Benign for Charcot-Marie-Tooth disease axonal type 2O. Last evaluated: 2026-01-28. Review status: criteria provided, single submitter. Criteria: Invitae Variant Classification Sherloc (09022015). Collection method: clinical testing. Allele origin: germline.

Mayo Clinic Laboratories, Mayo Clinic
Classification: Likely benign. Last evaluated: 2025-10-12. Review status: criteria provided, single submitter. Criteria: ACMG Guidelines, 2015. Collection method: clinical testing. Allele origin: germline. Observed: 1 variant allele.
Comment: BS2, BP4, BP7

GeneDx
Classification: Likely benign. Last evaluated: 2020-07-04. Review status: criteria provided, single submitter. Criteria: GeneDx Variant Classification Process June 2021. Collection method: clinical testing. Allele origin: germline. Affected: yes.

Illumina Laboratory Services, Illumina
Classification: Likely benign for Spinocerebellar Ataxia, Dominant. Last evaluated: 2018-01-12. Review status: criteria provided, single submitter. Criteria: ICSL Variant Classification Criteria 13 December 2019. Collection method: clinical testing. Allele origin: germline.
Comment: This variant was observed in the ICSL laboratory as part of a predisposition screen in an ostensibly healthy population. It had not been previously curated by ICSL or reported in the Human Gene Mutation Database (HGMD: prior to June 1st, 2018), and was therefore a candidate for classification through an automated scoring system. Utilizing variant allele frequency, disease prevalence and penetrance estimates, and inheritance mode, an automated score was calculated to assess if this variant is too frequent to cause the disease. Based on the score and internal cut-off values, a variant classified as likely benign is not then subjected to further curation. The score for this variant resulted in a classification of likely benign for this disease.

Illumina Laboratory Services, Illumina
Classification: Likely benign for Charcot-Marie-Tooth disease axonal type 2O. Last evaluated: 2018-01-12. Review status: criteria provided, single submitter. Criteria: ICSL Variant Classification Criteria 13 December 2019. Collection method: clinical testing. Allele origin: germline.
Comment: the same text as in the submission from Illumina Laboratory Services, Illumina above.

Molecular Genetics Laboratory, London Health Sciences Centre
Classification: Likely benign for Charcot-Marie-Tooth disease. Review status: criteria provided, single submitter. Criteria: ACMG Guidelines, 2015. Collection method: clinical testing. Allele origin: germline. Affected: yes.

PreventionGenetics, part of Exact Sciences
Classification: Likely benign for DYNC1H1-related condition. Last evaluated: 2019-09-04. Review status: no assertion criteria provided. Collection method: clinical testing. Allele origin: germline. Not counted in ClinVar's aggregate classification.
Comment: This variant is classified as likely benign based on ACMG/AMP sequence variant interpretation guidelines (Richards et al. 2015 PMID: 25741868, with internal and published modifications).

NM_001376.5(DYNC1H1):c.9762+9T>G

Gene: DYNC1H1 (dynein cytoplasmic 1 heavy chain 1; plus strand). Cytogenetic location: 14q32.31.
Variant type: single nucleotide variant.
Coding change: c.9762+9T>G on transcript NM_001376.5 (MANE Select); 9 bases into the intron after coding-DNA position 9762, T replaced by G.
Molecular consequence: intron variant.
Genome position (GRCh38, 1-based): chr14:102,029,947, T>G. VCF-style: chr14-102029947-T-G. GRCh37 (hg19) VCF-style: chr14-102496284-T-G.
Other names: p.?.
Identifiers: ClinVar variation 472566 (VCV000472566.19), dbSNP rs376545350, ClinGen allele CA7353283.
Genomic context (GRCh38, chr14:102,029,947, plus strand): 5'-TGACAAGCTGAAAAAGATGGTGAAAGACCAGCAGGAGGCTGAAAAGAAGAAGGTATGGTG[T>G]CAGGGAATTCTGGCCTGTAAGGACTGAGCATTTTCAGTCTCCAATGAGAGAGTAGGAAAT-3'